The following is an entry in ClinVar:

NM_001369.3(DNAH5):c.1216T>G (p.Ser406Ala)

Gene: DNAH5 (dynein axonemal heavy chain 5; minus strand). Cytogenetic location: 5p15.2.
Variant type: single nucleotide variant.
Coding change: c.1216T>G on transcript NM_001369.3 (MANE Select); coding-DNA position 1216, T replaced by G.
Protein change: p.Ser406Ala; replaces serine 406 with alanine.
Molecular consequence: missense variant.
Genome position (GRCh38, 1-based): chr5:13,914,624, A>C on the plus strand (T>G on the coding strand, the complement: DNAH5 is on the minus strand). VCF-style: chr5-13914624-A-C. GRCh37 (hg19) VCF-style: chr5-13914733-A-C.
Other names: short protein forms S406A.
Identifiers: ClinVar variation 940263 (VCV000940263.9), dbSNP rs1776422779, ClinGen allele CA359215450.

ClinVar aggregate classification (germline): Uncertain significance (1 of 4 stars; one submission).

Conditions:
Primary ciliary dyskinesia. Also called: Ciliary dyskinesia. Identifiers: Orphanet 244, MedGen C0008780, MONDO:0016575, HP:0012265.

gnomAD v4.1: 1 of 1,613,092 alleles (0.000062%); no homozygotes.

Submission:

Labcorp Genetics (formerly Invitae), Labcorp
Classification: Uncertain significance for Primary ciliary dyskinesia. Last evaluated: 2019-08-27. Review status: criteria provided, single submitter. Criteria: Invitae Variant Classification Sherloc (09022015). Collection method: clinical testing. Allele origin: germline.
Comment: In summary, the available evidence is currently insufficient to determine the role of this variant in disease. Therefore, it has been classified as a Variant of Uncertain Significance. Algorithms developed to predict the effect of missense changes on protein structure and function (SIFT, PolyPhen-2, Align-GVGD) all suggest that this variant is likely to be tolerated, but these predictions have not been confirmed by published functional studies and their clinical significance is uncertain. This variant has not been reported in the literature in individuals with DNAH5-related conditions. This variant is not present in population databases (ExAC no frequency). This sequence change replaces serine with alanine at codon 406 of the DNAH5 protein (p.Ser406Ala). The serine residue is moderately conserved and there is a moderate physicochemical difference between serine and alanine.